The following is an entry in ClinVar:

ClinVar aggregate classification (germline): Likely benign (1 of 4 stars; one submission).

gnomAD v4.1: 2 of 454,520 alleles (0.00044%); highest among the groups gnomAD compares: African/African-American, 0.002%; no homozygotes.

Submission:

GeneDx
Classification: Likely benign. Last evaluated: 2016-11-02. Review status: criteria provided, single submitter. Criteria: GeneDx Variant Classification (06012015). Collection method: clinical testing. Allele origin: germline. Affected: yes.
Comment: This variant is considered likely benign or benign based on one or more of the following criteria: it is a conservative change, it occurs at a poorly conserved position in the protein, it is predicted to be benign by multiple in silico algorithms, and/or has population frequency not consistent with disease.

NM_001126105.3(SLC7A7):c.-162C>G

Genes: SLC7A7 (solute carrier family 7 member 7; minus strand), LOC130055325 (ATAC-STARR-seq lymphoblastoid active region 8143; plus strand). Cytogenetic location: 14q11.2.
Variant type: single nucleotide variant.
Coding change: c.-162C>G on transcript NM_001126105.3; 162 bases upstream of the start codon, C replaced by G.
Molecular consequence: 5 prime UTR variant.
Genome position (GRCh38, 1-based): chr14:22,815,439, G>C on the plus strand (C>G on the coding strand, the complement: SLC7A7 is on the minus strand). VCF-style: chr14-22815439-G-C. GRCh37 (hg19) VCF-style: chr14-23284648-G-C.
Other names: c.-162C>G (NM_001126106.4).
Identifiers: ClinVar variation 390077 (VCV000390077.3), dbSNP rs1057523639, ClinGen allele CA16606522.